The following is an entry in ClinVar:

ClinVar aggregate classification (germline): Uncertain significance (1 of 4 stars; one submission).

Submission:

Labcorp Genetics (formerly Invitae), Labcorp
Classification: Uncertain significance. Last evaluated: 2024-08-12. Review status: criteria provided, single submitter. Criteria: Invitae Variant Classification Sherloc (09022015). Collection method: clinical testing. Allele origin: germline.
Comment: This sequence change falls in intron 12 of the ASPM gene. It does not directly change the encoded amino acid sequence of the ASPM protein. It affects a nucleotide within the consensus splice site. This variant is present in population databases (rs754237259, gnomAD 0.01%). This variant has not been reported in the literature in individuals affected with ASPM-related conditions. Variants that disrupt the consensus splice site are a relatively common cause of aberrant splicing (PMID: 17576681, 9536098). Algorithms developed to predict the effect of sequence changes on RNA splicing suggest that this variant is not likely to affect RNA splicing. In summary, the available evidence is currently insufficient to determine the role of this variant in disease. Therefore, it has been classified as a Variant of Uncertain Significance.

Literature cited by the submitters: PubMed 17576681; PubMed 9536098.

NM_018136.5(ASPM):c.3168+5_3168+7del

Gene: ASPM (assembly factor for spindle microtubules; minus strand). Cytogenetic location: 1q31.3.
Variant type: Microsatellite.
Coding change: c.3168+5_3168+7del on transcript NM_018136.5 (MANE Select); bases 5 to 7 of the intron after coding-DNA position 3168, 3 bases deleted (TAT; older notation c.3168+5_3168+7delTAT).
Molecular consequence: splice donor variant.
Genome position (GRCh38, 1-based): chr1:197,124,863-197,124,865, ATA deleted on the plus strand (TAT on the coding strand, the reverse complement: ASPM is on the minus strand); deleting any 3 consecutive bases within chr1:197,124,863-197,124,868 gives the same sequence; the c. name uses the placement nearest the transcript's 3' end. VCF-style (leftmost placement, unchanged base first): chr1-197124862-TATA-T. GRCh37 (hg19) VCF-style: chr1-197093992-TATA-T.
Other names: c.3168+5_3168+7del (NM_001206846.2).
Identifiers: ClinVar variation 2044746 (VCV002044746.3), dbSNP rs754237259, ClinGen allele CA1310244.
Genomic context (GRCh38, chr1:197,124,862, plus strand): 5'-TCAAATTGTTTTTATAAATCAGTAATCAAAATTGATAAAAAATACAAGATGTACCAAATG[TATA>T]ATACCTGAAAAGCAAACGCTATTTTCCAAAGCAACCTGAGAGTTTTTTCTCTGTGCCTAT-3'